The following continues an entry in ClinVar:

NM_001042492.3(NF1):c.3113+1G>A

Gene: NF1. ClinVar aggregate classification (germline): Pathogenic. Pathogenic (17).

Submissions 12 to 20 of 20:

Genome Diagnostics Laboratory, The Hospital for Sick Children
Classification: Pathogenic for Neurofibromatosis, type 1. Last evaluated: 2020-10-26. Review status: criteria provided, single submitter. Criteria: ACMG Guidelines, 2015. Collection method: clinical testing. Allele origin: germline. Affected: yes.

Institute of Human Genetics, University of Leipzig Medical Center
Classification: Pathogenic for Neurofibromatosis, type 1. Last evaluated: 2020-09-25. Review status: criteria provided, single submitter. Criteria: ACMG Guidelines, 2015. Collection method: clinical testing. Allele origin: unknown. Affected: yes.

Centre for Mendelian Genomics, University Medical Centre Ljubljana
Classification: Pathogenic for Neurofibromatosis, type 1. Last evaluated: 2020-04-02. Review status: criteria provided, single submitter. Criteria: ACMG Guidelines, 2015. Collection method: clinical testing. Allele origin: unknown. Affected: yes.
Comment: This variant was classified as: Pathogenic. The following ACMG criteria were applied in classifying this variant: PVS1,PS3,PS4.

The Laboratory of Genetics and Metabolism, Hunan Children’s Hospital
Classification: Pathogenic for Neurofibromatosis, type 1; Tibial pseudoarthrosis. Last evaluated: 2018-11-10. Review status: criteria provided, single submitter. Criteria: ACMG Guidelines, 2015. Collection method: research. Allele origin: de novo. Affected: yes. Observed: 2 variant alleles.

Clinical Genetics Service, Universitary Hospital 12 de Octubre
Classification: Pathogenic for Neurofibromatosis, type 1. Review status: criteria provided, single submitter. Criteria: ACMG Guidelines, 2015. Collection method: clinical testing. Allele origin: de novo. Affected: yes.

Kasturba Medical College, Manipal, Kasturba Medical College, Manipal, Manipal Academy of Higher Education, Manipal, India
Classification: Pathogenic for Neurofibromatosis, type 1. Review status: criteria provided, single submitter. Criteria: ACMG Guidelines, 2015. Collection method: clinical testing. Allele origin: paternal. Inheritance: Autosomal dominant inheritance. Affected: yes. Observed: 1 heterozygote.
Comment: This variant is reported in the ClinVar database as pathogenic by 13 submitters (Accession ID: VCV000000345.39). This canonical splice-site variant is likely to result in aberrant splicing leading to either formation of a truncated protein product or the transcript to undergo nonsense-mediated mRNA decay.

PreventionGenetics, part of Exact Sciences
Classification: Pathogenic for NF1-related condition. Last evaluated: 2024-08-30. Review status: no assertion criteria provided. Collection method: clinical testing. Allele origin: germline. Not counted in ClinVar's aggregate classification.
Comment: The NF1 c.3113+1G>A variant is predicted to disrupt the GT donor site and interfere with normal splicing. This variant has been reported in multiple unrelated individuals with neurofibromatosis type 1 (see for example - Upadhyaya et al. 2008. PubMed ID: 18484666; Table S1 - Pros et al. 2008. PubMed ID: 18546366). Splicing studies found this variant results in skipping of exon 18 which is predicted to result in an inframe deletion (Table S1 - Pros et al. 2008. PubMed ID: 18546366). This variant is reported in 0.0029% of alleles in individuals of Latino descent in gnomAD. Variants that disrupt the consensus splice donor site in NF1 are expected to be pathogenic. This variant is interpreted as pathogenic.

Clinical Laboratory Sciences Program (CLSP), King Saud bin Abdulaziz University for Health Sciences (KSAU-HS)
Classification: Pathogenic for Neurofibromatosis, type 1. Last evaluated: 2023-04-01. Review status: no assertion criteria provided. Collection method: clinical testing. Allele origin: germline. Affected: yes. Not counted in ClinVar's aggregate classification.

OMIM
Classification: Pathogenic for NEUROFIBROMATOSIS, TYPE I. Last evaluated: 1995-04-01. Review status: no assertion criteria provided. Collection method: literature only. Allele origin: germline. Not counted in ClinVar's aggregate classification.

Literature cited by the submitters: PubMed 16944272 (cited by Labcorp Genetics (formerly Invitae), Labcorp); PubMed 18484666 (cited by Labcorp Genetics (formerly Invitae), Labcorp and Ambry Genetics); PubMed 25293717 (cited by 3 submitters); PubMed 26962827 (cited by Labcorp Genetics (formerly Invitae), Labcorp); PubMed 26969325 (cited by Labcorp Genetics (formerly Invitae), Labcorp and Ambry Genetics); PubMed 7633431 (cited by 5 submitters); PubMed 12807981 (cited by Ambry Genetics); PubMed 18546366 (cited by Ambry Genetics and Sema4); PubMed 22108604 (cited by Ambry Genetics); PubMed 10678181 (cited by Women's Health and Genetics/Laboratory Corporation of America, LabCorp); PubMed 23460398 (cited by Women's Health and Genetics/Laboratory Corporation of America, LabCorp); PubMed 29872168 (cited by Women's Health and Genetics/Laboratory Corporation of America, LabCorp); PubMed 31533797 (cited by Women's Health and Genetics/Laboratory Corporation of America, LabCorp and The Laboratory of Genetics and Metabolism, Hunan Children’s Hospital); PubMed 31370276 (cited by Sema4); PubMed 31776437 (cited by Sema4).